The following is an entry in ClinVar:

NM_001999.4(FBN2):c.134A>T (p.Gln45Leu)

Gene: FBN2 (fibrillin 2; minus strand). Cytogenetic location: 5q23.3.
Variant type: single nucleotide variant.
Coding change: c.134A>T on transcript NM_001999.4 (MANE Select); coding-DNA position 134, A replaced by T.
Protein change: p.Gln45Leu; replaces glutamine 45 with leucine.
Molecular consequence: missense variant.
Genome position (GRCh38, 1-based): chr5:128,537,470, T>A on the plus strand (A>T on the coding strand, the complement: FBN2 is on the minus strand). VCF-style: chr5-128537470-T-A. GRCh37 (hg19) VCF-style: chr5-127873163-T-A.
Other names: short protein forms Q45L.
Identifiers: ClinVar variation 1345854 (VCV001345854.6), dbSNP rs774411616, ClinGen allele CA360762605.

ClinVar aggregate classification (germline): Uncertain significance (1 of 4 stars; one submission).

Conditions:
Congenital contractural arachnodactyly (CCA). Also called: Arthrogryposis, distal, type 9; BEALS SYNDROME; Beals-Hecht syndrome. Identifiers: Orphanet 115, MedGen C0220668, MONDO:0007363, OMIM 121050.

Submission:

Labcorp Genetics (formerly Invitae), Labcorp
Classification: Uncertain significance for Congenital contractural arachnodactyly. Last evaluated: 2022-06-27. Review status: criteria provided, single submitter. Criteria: Invitae Variant Classification Sherloc (09022015). Collection method: clinical testing. Allele origin: germline.
Comment: This variant is not present in population databases (gnomAD no frequency). In summary, the available evidence is currently insufficient to determine the role of this variant in disease. Therefore, it has been classified as a Variant of Uncertain Significance. Advanced modeling of protein sequence and biophysical properties (such as structural, functional, and spatial information, amino acid conservation, physicochemical variation, residue mobility, and thermodynamic stability) performed at Invitae indicates that this missense variant is not expected to disrupt FBN2 protein function. This variant has not been reported in the literature in individuals affected with FBN2-related conditions. This sequence change replaces glutamine, which is neutral and polar, with leucine, which is neutral and non-polar, at codon 45 of the FBN2 protein (p.Gln45Leu).